The following is an entry in ClinVar:

NM_145045.5(ODAD3):c.313C>G (p.Gln105Glu)

Gene: ODAD3 (outer dynein arm docking complex subunit 3; minus strand). Cytogenetic location: 19p13.2.
Variant type: single nucleotide variant.
Coding change: c.313C>G on transcript NM_145045.5 (MANE Select); coding-DNA position 313, C replaced by G.
Protein change: p.Gln105Glu; replaces glutamine 105 with glutamic acid.
Molecular consequence: missense variant.
Genome position (GRCh38, 1-based): chr19:11,430,952, G>C on the plus strand (C>G on the coding strand, the complement: ODAD3 is on the minus strand). VCF-style: chr19-11430952-G-C. GRCh37 (hg19) VCF-style: chr19-11541772-G-C.
Other names: c.151C>G, p.Gln51Glu (NM_001302453.1); c.313C>G, p.Gln105Glu (NM_001302454.2); short protein forms Q105E, Q51E.
Identifiers: ClinVar variation 1682792 (VCV001682792.6), dbSNP rs1969490670, ClinGen allele CA404127346.

ClinVar aggregate classification (germline): Uncertain significance (1 of 4 stars; one submission).

Conditions:
Primary ciliary dyskinesia 30. Also called: CILIARY DYSKINESIA, PRIMARY, 30, WITH OR WITHOUT SITUS INVERSUS. Identifiers: Orphanet 244, MedGen C4015016, MONDO:0014465, OMIM 616037.

Allele frequency attached by ClinVar (database versions not stated): gnomAD exomes below 0.00001; TOPMed below 0.00001.
gnomAD v4.1: 3 of 1,614,022 alleles (0.00019%); highest among the groups gnomAD compares: Admixed American, 0.0017%; no homozygotes.

Submission:

Labcorp Genetics (formerly Invitae), Labcorp
Classification: Uncertain significance for Primary ciliary dyskinesia 30. Last evaluated: 2021-11-12. Review status: criteria provided, single submitter. Criteria: Invitae Variant Classification Sherloc (09022015). Collection method: clinical testing. Allele origin: germline.
Comment: This variant has not been reported in the literature in individuals affected with CCDC151-related conditions. This variant is not present in population databases (gnomAD no frequency). This sequence change replaces glutamine, which is neutral and polar, with glutamic acid, which is acidic and polar, at codon 105 of the CCDC151 protein (p.Gln105Glu). Algorithms developed to predict the effect of missense changes on protein structure and function (SIFT, PolyPhen-2, Align-GVGD) all suggest that this variant is likely to be tolerated. In summary, the available evidence is currently insufficient to determine the role of this variant in disease. Therefore, it has been classified as a Variant of Uncertain Significance.